The following is an entry in ClinVar:

ClinVar aggregate classification (somatic clinical impact): Tier II - Potential (1 of 4 stars; one submission).

Conditions:
Embryonal rhabdomyosarcoma (ERMS). Also called: Botryoid rhabdomyosarcoma (type of ERMS); Spindle cell rhabdomyosarcomas (type of ERMS). Identifiers: Orphanet 99757, MedGen C0206656, MONDO:0009993, HP:0006743.

Submission:

Institute for Genomic Medicine (IGM) Clinical Laboratory, Nationwide Children's Hospital
Classification: Tier II - Potential for Embryonal rhabdomyosarcoma. Assertion type: diagnostic. Clinical significance: supports diagnosis. Last evaluated: 2024-02-08. Review status: criteria provided, single submitter. Criteria: AMP/ASCO/CAP Guidelines, 2017. Collection method: clinical testing. Allele origin: somatic. Affected: yes.
Comment: Variant has Tier II (potential) clinical significance as a diagnostic inclusion criterion in embryonal rhabdomyosarcoma, based on the following evidence: 1) Documented in one or more cancer databases (e.g., St. Jude Pecan, COSMIC, CIViC, OncoKB). 2) Appears in one or more well-established professional guidelines (e.g., World Health Organization [WHO]; National Comprehensive Cancer Network [NCCN]) as providing diagnostic, prognostic, or therapeutic information. 3) Diagnostic significance based on multiple small studies (Evidence Level C; PMIDs: 24436047, 34166060, 24332040, 26138366, 25768946).

Literature cited by the submitters: PubMed 24436047; PubMed 34166060; PubMed 24332040; PubMed 26138366; PubMed 25768946.

NM_006218.4(PIK3CA):c.2946G>T (p.Glu982Asp)

Gene: PIK3CA (phosphatidylinositol-4,5-bisphosphate 3-kinase catalytic subunit alpha; plus strand). Cytogenetic location: 3q26.32.
Variant type: single nucleotide variant.
Coding change: c.2946G>T on transcript NM_006218.4 (MANE Select); coding-DNA position 2946, G replaced by T.
Protein change: p.Glu982Asp; replaces glutamic acid 982 with aspartic acid.
Molecular consequence: missense variant.
Genome position (GRCh38, 1-based): chr3:179,234,103, G>T. VCF-style: chr3-179234103-G-T. GRCh37 (hg19) VCF-style: chr3-178951891-G-T.
Other names: short protein forms E982D.
Identifiers: ClinVar variation 4530368 (VCV004530368.1).
Genomic context (GRCh38, chr3:179,234,103, plus strand): 5'-GTATTAACATCATTTGCTCCAAACTGACCAAACTGTTCTTATTACTTATAGGTTTCAGGA[G>T]ATGTGTTACAAGGCTTATCTAGCTATTCGACAGCATGCCAATCTCTTCATAAATCTTTTC-3'
Protein context (NP_006209.2, residues 972-992): TKTREFERFQ[Glu982Asp]MCYKAYLAIR